The following is an entry in ClinVar:

NM_020207.7(ERCC6L2):c.1204A>G (p.Thr402Ala)

Gene: ERCC6L2 (ERCC excision repair 6 like 2; plus strand). Cytogenetic location: 9q22.32.
Variant type: single nucleotide variant.
Coding change: c.1204A>G on transcript NM_020207.7 (MANE Select); coding-DNA position 1204, A replaced by G.
Protein change: p.Thr402Ala; replaces threonine 402 with alanine.
Molecular consequence: missense variant. On other transcripts: non-coding transcript variant (1).
Genome position (GRCh38, 1-based): chr9:95,921,220, A>G. VCF-style: chr9-95921220-A-G. GRCh37 (hg19) VCF-style: chr9-98683502-A-G.
Other names: c.1204A>G, p.Thr402Ala (NM_001010895.4, NM_001375291.1, NM_001375292.1 and 2 more transcripts); short protein forms T402A.
Identifiers: ClinVar variation 3510028 (VCV003510028.1).

ClinVar aggregate classification (germline): Uncertain significance (1 of 4 stars; one submission).

Conditions:
Inborn genetic diseases. Identifiers: MedGen C0950123, MeSH D030342.

gnomAD v4.1: 2 of 1,613,516 alleles (0.00012%); highest among the groups gnomAD compares: Non-Finnish European, 0.00017%; no homozygotes.

Submission:

Ambry Genetics
Classification: Uncertain significance for Inborn genetic diseases. Last evaluated: 2024-12-08. Review status: criteria provided, single submitter. Criteria: Ambry Variant Classification Scheme 2023. Collection method: clinical testing. Allele origin: germline.
Comment: The p.T402A variant (also known as c.1204A>G), located in coding exon 7 of the ERCC6L2 gene, results from an A to G substitution at nucleotide position 1204. The threonine at codon 402 is replaced by alanine, an amino acid with similar properties. This amino acid position is conserved. In addition, this alteration is predicted to be tolerated by in silico analysis. Based on the available evidence, the clinical significance of this variant remains unclear.